The following is an entry in ClinVar:

ClinVar aggregate classification (germline): Conflicting classifications of pathogenicity. Review status: criteria provided, conflicting classifications (1 of 4 stars). 2 submissions from 2 submitters: Uncertain significance (1); Likely benign (1). Last evaluated 2018-01-12.

Conditions:
Hereditary spastic paraplegia 30. Identifiers: Orphanet 101010, MedGen C5235139, MONDO:0012476.

Allele frequency attached by ClinVar (database versions not stated): gnomAD 0.00019 and 0.00021; TOPMed 0.00022; gnomAD exomes 0.00034.
gnomAD v4.1: 336 of 1,077,828 alleles (0.031%); highest among the groups gnomAD compares: Non-Finnish European, 0.043%; no homozygotes.

Submissions (2):

Illumina Laboratory Services, Illumina
Classification: Uncertain significance for Spastic paraplegia 30A, autosomal dominant. Last evaluated: 2018-01-12. Review status: criteria provided, single submitter. Criteria: ICSL Variant Classification Criteria 13 December 2019. Collection method: clinical testing. Allele origin: germline.

GeneDx
Classification: Likely benign. Last evaluated: 2017-08-04. Review status: criteria provided, single submitter. Criteria: GeneDx Variant Classification (06012015). Collection method: clinical testing. Allele origin: germline. Affected: yes.
Comment: This variant is considered likely benign or benign based on one or more of the following criteria: it is a conservative change, it occurs at a poorly conserved position in the protein, it is predicted to be benign by multiple in silico algorithms, and/or has population frequency not consistent with disease.

NM_001244008.2(KIF1A):c.-55C>T

Gene: KIF1A (kinesin family member 1A; minus strand). Cytogenetic location: 2q37.3.
Variant type: single nucleotide variant.
Coding change: c.-55C>T on transcript NM_001244008.2 (MANE Select); 55 bases upstream of the start codon, C replaced by T.
Molecular consequence: 5 prime UTR variant.
Genome position (GRCh38, 1-based): chr2:240,797,807, G>A on the plus strand (C>T on the coding strand, the complement: KIF1A is on the minus strand). VCF-style: chr2-240797807-G-A. GRCh37 (hg19) VCF-style: chr2-241737224-G-A.
Other names: c.-55C>T (NM_001320705.2, NM_001330289.2, NM_001330290.2 and 20 more transcripts).
Identifiers: ClinVar variation 335290 (VCV000335290.5), dbSNP rs886055838, ClinGen allele CA10614770.